The following is an entry in ClinVar:

ClinVar aggregate classification (germline): Benign. Review status: criteria provided, multiple submitters, no conflicts (2 of 4 stars). 2 submissions from 2 submitters: Benign (2). Last evaluated 2025-12-20.

Conditions:
Monilethrix. Also called: Beaded hair. Identifiers: Orphanet 573, MedGen C0546966, MONDO:0008009, HP:0032470.

Allele frequency attached by ClinVar (database versions not stated): gnomAD exomes 0.00067 and 0.00176; ExAC 0.00219; 1000 Genomes Project 0.00719; gnomAD 0.00756 and 0.00832; 1000 Genomes Project 30x 0.00828; ESP Exome Variant Server 0.00846; TOPMed 0.00883.

Submissions (2):

Labcorp Genetics (formerly Invitae), Labcorp
Classification: Benign. Last evaluated: 2025-12-20. Review status: criteria provided, single submitter. Criteria: Invitae Variant Classification Sherloc (09022015). Collection method: clinical testing. Allele origin: germline.

Illumina Laboratory Services, Illumina
Classification: Benign for Monilethrix-1. Last evaluated: 2018-01-13. Review status: criteria provided, single submitter. Criteria: ICSL Variant Classification Criteria 13 December 2019. Collection method: clinical testing. Allele origin: germline.
Comment: This variant was observed in the ICSL laboratory as part of a predisposition screen in an ostensibly healthy population. It had not been previously curated by ICSL or reported in the Human Gene Mutation Database (HGMD: prior to June 1st, 2018), and was therefore a candidate for classification through an automated scoring system. Utilizing variant allele frequency, disease prevalence and penetrance estimates, and inheritance mode, an automated score was calculated to assess if this variant is too frequent to cause the disease. Based on the score and internal cut-off values, a variant classified as benign is not then subjected to further curation. The score for this variant resulted in a classification of benign for this disease.

NM_002282.3(KRT83):c.480T>C (p.Phe160=)

Gene: KRT83 (keratin 83; minus strand). Cytogenetic location: 12q13.13.
Variant type: single nucleotide variant.
Coding change: c.480T>C on transcript NM_002282.3 (MANE Select); coding-DNA position 480, T replaced by C.
Protein change: p.Phe160=; no amino-acid change (phenylalanine 160 retained).
Molecular consequence: synonymous variant.
Genome position (GRCh38, 1-based): chr12:52,319,269, A>G on the plus strand (T>C on the coding strand, the complement: KRT83 is on the minus strand). VCF-style: chr12-52319269-A-G. GRCh37 (hg19) VCF-style: chr12-52713053-A-G.
Identifiers: ClinVar variation 309535 (VCV000309535.9), dbSNP rs11834565, ClinGen allele CA6577663.